The following is an entry in ClinVar:

NM_006531.5(IFT88):c.1312T>A (p.Leu438Ile)

Gene: IFT88 (intraflagellar transport 88; plus strand). Cytogenetic location: 13q12.11.
Variant type: single nucleotide variant.
Coding change: c.1312T>A on transcript NM_006531.5 (MANE Select); coding-DNA position 1312, T replaced by A.
Protein change: p.Leu438Ile; replaces leucine 438 with isoleucine.
Molecular consequence: missense variant. On other transcripts: non-coding transcript variant (5).
Genome position (GRCh38, 1-based): chr13:20,631,028, T>A. VCF-style: chr13-20631028-T-A. GRCh37 (hg19) VCF-style: chr13-21205167-T-A.
Other names: c.1255T>A, p.Leu419Ile (NM_001318491.2, NM_001353575.2); c.1339T>A, p.Leu447Ile (NM_001318493.2, NM_001353565.2, NM_001353566.2 and 2 more transcripts); c.1312T>A, p.Leu438Ile (NM_001353568.2, NM_001353572.2); c.1237T>A, p.Leu413Ile (NM_001353569.2, NM_001353570.2, NM_001353576.2 and 1 more transcripts); c.1210T>A, p.Leu404Ile (NM_001353571.2, NM_001353578.2); c.1168T>A, p.Leu390Ile (NM_001353573.2); c.1153T>A, p.Leu385Ile (NM_001353574.2); c.679T>A, p.Leu227Ile (NM_001353579.2); and 1 more; short protein forms L385I, L404I, L419I, L227I, L390I, L413I, L438I, L447I.
Identifiers: ClinVar variation 1984274 (VCV001984274.5), dbSNP rs373316646, ClinGen allele CA6905376.
Genomic context (GRCh38, chr13:20,631,028, plus strand): 5'-GTACTGTCATATTACAGTGGTAGTAACCTTCAGATATTCCATTTCTAGGCTGTAGAGATC[T>A]TAAAAGTGTTGGAAAAAAAGGACAGTAGAGTGAAAAGTGCAGCTGCAACCAATCTCTCAG-3'
Protein context (NP_006522.2, residues 428-448): QKDYNQAVEI[Leu438Ile]KVLEKKDSRV

ClinVar aggregate classification (germline): Uncertain significance. Review status: criteria provided, multiple submitters, no conflicts (2 of 4 stars). 2 submissions from 2 submitters: Uncertain significance (2). Last evaluated 2025-09-22.

Allele frequency attached by ClinVar (database versions not stated): gnomAD 0.00002; ExAC 0.00003; TOPMed 0.00004; ESP Exome Variant Server 0.00008.
gnomAD v4.1: 48 of 1,588,548 alleles (0.003%); highest among the groups gnomAD compares: Non-Finnish European, 0.0038%; no homozygotes.

Submissions (2):

Labcorp Genetics (formerly Invitae), Labcorp
Classification: Uncertain significance. Last evaluated: 2025-09-22. Review status: criteria provided, single submitter. Criteria: Invitae Variant Classification Sherloc (09022015). Collection method: clinical testing. Allele origin: germline.
Comment: This sequence change replaces leucine, which is neutral and non-polar, with isoleucine, which is neutral and non-polar, at codon 447 of the IFT88 protein (p.Leu447Ile). This variant is present in population databases (rs373316646, gnomAD 0.008%). This variant has not been reported in the literature in individuals affected with IFT88-related conditions. ClinVar contains an entry for this variant (Variation ID: 1984274). An algorithm developed to predict the effect of missense changes on protein structure and function (PolyPhen-2) suggests that this variant is likely to be disruptive. In summary, the available evidence is currently insufficient to determine the role of this variant in disease. Therefore, it has been classified as a Variant of Uncertain Significance.

Ambry Genetics
Classification: Uncertain significance. Last evaluated: 2025-08-28. Review status: criteria provided, single submitter. Criteria: Ambry Variant Classification Scheme 2023. Collection method: clinical testing. Allele origin: germline.